The following is an entry in ClinVar:

ClinVar aggregate classification (germline): Uncertain significance (1 of 4 stars; one submission).

Allele frequency attached by ClinVar (database versions not stated): gnomAD exomes below 0.00001; gnomAD 0.00001.
gnomAD v4.1: 2 of 1,613,938 alleles (0.00012%); highest among the groups gnomAD compares: African/African-American, 0.0013%; no homozygotes.

Submission:

Clinical Genomics Laboratory, Washington University in St. Louis
Classification: Uncertain significance. Last evaluated: 2023-08-29. Review status: criteria provided, single submitter. Criteria: ACMG Guidelines, 2015. Collection method: clinical testing. Allele origin: germline.
Comment: The REV3L c.4750C>T (p.Arg1584Ter) variant, to our knowledge, has not been reported in the medical literature and is absent from the general population (gnomAD v2.1.1), indicating it is not a common variant. The variant is predicted to result in nonsense mediated decay and the REV3L gene is constrained for loss of function variation (gnomAD browser). Rev3L-deficient mice display growth retardation and decreased hindbrain volume (Tomas-Roca L et al., PMID: 26068067). Three patients with Mobius syndrome have been described harboring heterozygous de novo REV3L variants (a canonical splice site, a nonsense, and a missense; Tomas-Roca L et al., PMID: 26068067). An additional publication described a homozygous missense variant in a patient with developmental delay, small size, and dysmorphic features, and the authors included functional analysis data of the variant (Halas A et al., PMID: 33474647). Due to limited information, the clinical significance of this variant is uncertain.

NM_001372078.1(REV3L):c.4750C>T (p.Arg1584Ter)

Gene: REV3L (REV3 like, DNA directed polymerase zeta catalytic subunit; minus strand). Cytogenetic location: 6q21.
Variant type: single nucleotide variant.
Coding change: c.4750C>T on transcript NM_001372078.1 (MANE Select); coding-DNA position 4750, C replaced by T.
Protein change: p.Arg1584Ter; replaces arginine 1584 with a stop codon.
Molecular consequence: nonsense.
Genome position (GRCh38, 1-based): chr6:111,373,605, G>A on the plus strand (C>T on the coding strand, the complement: REV3L is on the minus strand). VCF-style: chr6-111373605-G-A. GRCh37 (hg19) VCF-style: chr6-111694808-G-A.
Other names: c.4516C>T, p.Arg1506Ter (NM_001286431.2, NM_001286432.2); c.4750C>T, p.Arg1584Ter (NM_002912.5); short protein forms R1506*, R1584*.
Identifiers: ClinVar variation 2672104 (VCV002672104.1), dbSNP rs1780013417, ClinGen allele CA365265781.